The following is an entry in ClinVar:

NM_182925.5(FLT4):c.2247C>T (p.Ser749=)

Genes: FLT4 (fms related receptor tyrosine kinase 4; minus strand), LOC126807632 (CDK7 strongly-dependent group 2 enhancer GRCh37_chr5:180046831-180048030; plus strand). Cytogenetic location: 5q35.3.
Variant type: single nucleotide variant.
Coding change: c.2247C>T on transcript NM_182925.5 (MANE Select); coding-DNA position 2247, C replaced by T.
Protein change: p.Ser749=; no amino-acid change (serine 749 retained).
Molecular consequence: synonymous variant.
Genome position (GRCh38, 1-based): chr5:180,620,928, G>A on the plus strand (C>T on the coding strand, the complement: FLT4 is on the minus strand). VCF-style: chr5-180620928-G-A. GRCh37 (hg19) VCF-style: chr5-180047928-G-A.
Other names: c.2247C>T, p.Ser749= (NM_001354989.2, NM_002020.5).
Identifiers: ClinVar variation 5041056 (VCV005041056.1).

ClinVar aggregate classification (germline): Likely benign (1 of 4 stars; one submission).

gnomAD v4.1: 7 of 1,610,542 alleles (0.00043%); highest among the groups gnomAD compares: Admixed American, 0.0033%; no homozygotes.

Submission:

CeGaT Center for Human Genetics Tuebingen
Classification: Likely benign. Last evaluated: 2026-09-01. Review status: criteria provided, single submitter. Criteria: CeGaT Center For Human Genetics Tuebingen Variant Classification Criteria Version 2. Collection method: clinical testing. Allele origin: germline. Affected: yes. Observed: 1 variant allele.
Comment: FLT4: BP4, BP7